The following is an entry in ClinVar:

ClinVar aggregate classification (germline): Pathogenic/Likely pathogenic. Review status: criteria provided, multiple submitters, no conflicts (2 of 4 stars). 2 submissions from 2 submitters: Pathogenic (1); Likely pathogenic (1). Last evaluated 2023-01-25.

Conditions:
Mowat-Wilson syndrome (MOWS). Also called: Classic Mowat-Wilson Syndrome. Identifiers: Orphanet 2152, MedGen C1856113, MONDO:0009341, OMIM 235730.

Submissions (2):

Broad Center for Mendelian Genomics, Broad Institute of MIT and Harvard
Classification: Likely pathogenic for Mowat-Wilson syndrome. Last evaluated: 2023-01-25. Review status: criteria provided, single submitter. Criteria: ACMG Guidelines, 2015. Collection method: curation. Allele origin: germline. Inheritance: Autosomal dominant inheritance.
Comment: Trio exome analysis showed this variant to be de novo. The p.Cys1032LeufsTer43 variant in ZEB2 has not been previously reported in the literature in individuals with Mowat Wilson syndrome. This variant has also been reported in ClinVar (Variation ID: 405331) and has been interpreted as pathogenic by Invitae. This variant was absent from large population studies. This variant is predicted to cause a frameshift, which alters the protein‚Äôs amino acid sequence beginning at position 1032 and leads to a premature termination codon 43 amino acids downstream. This termination codon occurs within the terminal 50 bases of the last exon and is more likely to escape nonsense mediated decay (NMD) and result in a truncated protein. Heterozygous loss of function of the ZEB2 gene is an established disease mechanism in autosomal dominant Mowat Wilson syndrome. In summary, although additional studies are required to fully establish its clinical significance, this variant is likely pathogenic for Mowat Wilson syndrome. ACMG/AMP Criteria applied: PVS1_Strong, PS2_Supporting, PM2_Supporting (Richards 2015).

Labcorp Genetics (formerly Invitae), Labcorp
Classification: Pathogenic for Mowat-Wilson syndrome. Last evaluated: 2020-10-16. Review status: criteria provided, single submitter. Criteria: Invitae Variant Classification Sherloc (09022015). Collection method: clinical testing. Allele origin: germline.
Comment: This sequence change creates a premature translational stop signal (p.Cys1032Leufs*43) in the ZEB2 gene. While this is not anticipated to result in nonsense mediated decay, it is expected to disrupt the last 183 amino acid(s) of the ZEB2 protein. This variant is not present in population databases (ExAC no frequency). This variant has not been reported in the literature in individuals with ZEB2-related conditions. ClinVar contains an entry for this variant (Variation ID: 405331). This variant disrupts the C-terminus of the ZEB2 protein. Other variant(s) that disrupt this region (p.Arg1047Serfs*32, also known as H1049fsX1080) have been determined to be pathogenic (PMID: 16053902, Invitae). This suggests that variants that disrupt this region of the protein are likely to be causative of disease. For these reasons, this variant has been classified as Pathogenic.

Literature cited by the submitters: PubMed 16053902 (cited by Labcorp Genetics (formerly Invitae), Labcorp).

NM_014795.4(ZEB2):c.3095del (p.Cys1032fs)

Gene: ZEB2 (zinc finger E-box binding homeobox 2; minus strand). Cytogenetic location: 2q22.3.
Variant type: Deletion.
Coding change: c.3095del on transcript NM_014795.4 (MANE Select); coding-DNA position 3095, one base deleted (G; older notation c.3095delG).
Protein change: p.Cys1032fs; shifts the reading frame from cysteine 1032.
Molecular consequence: frameshift variant.
Genome position (GRCh38, 1-based): chr2:144,390,001, C deleted on the plus strand (G on the coding strand, the reverse complement: ZEB2 is on the minus strand). VCF-style (leftmost placement, unchanged base first): chr2-144390000-AC-A. GRCh37 (hg19) VCF-style: chr2-145147567-AC-A.
Other names: NM_014795.4(ZEB2):c.3095del; p.Cys1032fs; c.3023del, p.Cys1008fs (NM_001171653.2); short protein forms C1032fs, C1008fs.
Identifiers: ClinVar variation 405331 (VCV000405331.8), dbSNP rs1060500653, ClinGen allele CA16610153.